The following is an entry in ClinVar:

ClinVar aggregate classification (germline): Uncertain significance. Review status: criteria provided, multiple submitters, no conflicts (2 of 4 stars). 2 submissions from 2 submitters: Uncertain significance (2). Last evaluated 2024-08-21.

Conditions:
Spastic paraplegia. Identifiers: MedGen C0037772, HP:0001258.
Inborn genetic diseases. Identifiers: MedGen C0950123, MeSH D030342.

Allele frequency attached by ClinVar (database versions not stated): gnomAD 0.00001; ExAC 0.00002; gnomAD exomes 0.00002 and 0.00004; TOPMed 0.00002.
gnomAD v4.1: 60 of 1,613,898 alleles (0.0037%); highest among the groups gnomAD compares: Non-Finnish European, 0.0047%; no homozygotes.

Submissions (2):

Ambry Genetics
Classification: Uncertain significance for Inborn genetic diseases. Last evaluated: 2024-08-21. Review status: criteria provided, single submitter. Criteria: Ambry Variant Classification Scheme 2023. Collection method: clinical testing. Allele origin: germline.

Labcorp Genetics (formerly Invitae), Labcorp
Classification: Uncertain significance for Spastic paraplegia. Last evaluated: 2021-04-04. Review status: criteria provided, single submitter. Criteria: Invitae Variant Classification Sherloc (09022015). Collection method: clinical testing. Allele origin: germline.
Comment: In summary, the available evidence is currently insufficient to determine the role of this variant in disease. Therefore, it has been classified as a Variant of Uncertain Significance. Algorithms developed to predict the effect of missense changes on protein structure and function (SIFT, PolyPhen-2, Align-GVGD) all suggest that this variant is likely to be disruptive, but these predictions have not been confirmed by published functional studies and their clinical significance is uncertain. This variant has not been reported in the literature in individuals with CYP2U1-related disease. This variant is present in population databases (rs771350413, ExAC 0.005%). This sequence change replaces isoleucine with valine at codon 345 of the CYP2U1 protein (p.Ile345Val). The isoleucine residue is highly conserved and there is a small physicochemical difference between isoleucine and valine.

NM_183075.3(CYP2U1):c.1033A>G (p.Ile345Val)

Gene: CYP2U1 (cytochrome P450 family 2 subfamily U member 1; plus strand). Cytogenetic location: 4q25.
Variant type: single nucleotide variant.
Coding change: c.1033A>G on transcript NM_183075.3 (MANE Select); coding-DNA position 1033, A replaced by G.
Protein change: p.Ile345Val; replaces isoleucine 345 with valine.
Molecular consequence: missense variant.
Genome position (GRCh38, 1-based): chr4:107,945,512, A>G. VCF-style: chr4-107945512-A-G. GRCh37 (hg19) VCF-style: chr4-108866668-A-G.
Other names: short protein forms I345V.
Identifiers: ClinVar variation 576265 (VCV000576265.6), dbSNP rs771350413, ClinGen allele CA3037102.